The following is an entry in ClinVar:

NM_152703.5(SAMD9L):c.476A>G (p.Glu159Gly)

Gene: SAMD9L (sterile alpha motif domain containing 9 like; minus strand). Cytogenetic location: 7q21.2.
Variant type: single nucleotide variant.
Coding change: c.476A>G on transcript NM_152703.5 (MANE Select); coding-DNA position 476, A replaced by G.
Protein change: p.Glu159Gly; replaces glutamic acid 159 with glycine.
Molecular consequence: missense variant.
Genome position (GRCh38, 1-based): chr7:93,135,496, T>C on the plus strand (A>G on the coding strand, the complement: SAMD9L is on the minus strand). VCF-style: chr7-93135496-T-C. GRCh37 (hg19) VCF-style: chr7-92764809-T-C.
Other names: c.476A>G, p.Glu159Gly (NM_001303496.3, NM_001303497.3, NM_001303498.3 and 5 more transcripts); short protein forms E159G.
Identifiers: ClinVar variation 3949860 (VCV003949860.1).

ClinVar aggregate classification (germline): Uncertain significance (1 of 4 stars; one submission).

Conditions:
Inborn genetic diseases. Identifiers: MedGen C0950123, MeSH D030342.

Submission:

Ambry Genetics
Classification: Uncertain significance for Inborn genetic diseases. Last evaluated: 2025-04-19. Review status: criteria provided, single submitter. Criteria: Ambry Variant Classification Scheme 2023. Collection method: clinical testing. Allele origin: germline.
Comment: The p.E159G variant (also known as c.476A>G), located in coding exon 1 of the SAMD9L gene, results from an A to G substitution at nucleotide position 476. The glutamic acid at codon 159 is replaced by glycine, an amino acid with similar properties. This amino acid position is conserved. In addition, this alteration is predicted to be tolerated by in silico analysis. Based on the available evidence, the clinical significance of this variant remains unclear.